The following is an entry in ClinVar:

ClinVar aggregate classification (germline): Uncertain significance. Review status: criteria provided, multiple submitters, no conflicts (2 of 4 stars). 2 submissions from 2 submitters: Uncertain significance (2). Last evaluated 2022-08-17.

Conditions:
Cardiovascular phenotype. Identifiers: MedGen CN230736.
Hereditary cancer-predisposing syndrome. Also called: Hereditary neoplastic syndrome; Tumor predisposition; Hereditary Cancer Syndrome; Neoplastic Syndromes, Hereditary. Identifiers: Orphanet 140162, MedGen C0027672, MeSH D009386, MONDO:0015356.
Neurofibromatosis, type 1 (NF1). Also called: Peripheral type neurofibromatosis; Neurofibromatosis, type I; VON RECKLINGHAUSEN DISEASE; NEUROFIBROMATOSIS, TYPE I, SOMATIC. Identifiers: Orphanet 636, MedGen C0027831, MONDO:0018975, OMIM 162200. Disease mechanism: loss of function.

Allele frequency attached by ClinVar (database versions not stated): gnomAD exomes below 0.00001.
gnomAD v4.1: 1 of 1,614,012 alleles (0.000062%); highest among the groups gnomAD compares: African/African-American, 0.0013%; no homozygotes.

Submissions (2):

Ambry Genetics
Classification: Uncertain significance for Cardiovascular phenotype; Hereditary cancer-predisposing syndrome. Last evaluated: 2022-08-17. Review status: criteria provided, single submitter. Criteria: Ambry Variant Classification Scheme 2023. Collection method: clinical testing. Allele origin: germline.
Comment: The p.S1992N variant (also known as c.5975G>A), located in coding exon 40 of the NF1 gene, results from a G to A substitution at nucleotide position 5975. The serine at codon 1992 is replaced by asparagine, an amino acid with highly similar properties. This amino acid position is conserved. In addition, the in silico prediction for this alteration is inconclusive. Since supporting evidence is limited at this time, the clinical significance of this alteration remains unclear.

Labcorp Genetics (formerly Invitae), Labcorp
Classification: Uncertain significance for Neurofibromatosis, type 1. Last evaluated: 2018-01-29. Review status: criteria provided, single submitter. Criteria: Invitae Variant Classification Sherloc (09022015). Collection method: clinical testing. Allele origin: germline.
Comment: This sequence change replaces serine with asparagine at codon 1992 of the NF1 protein (p.Ser1992Asn). The serine residue is moderately conserved and there is a small physicochemical difference between serine and asparagine. In summary, the available evidence is currently insufficient to determine the role of this variant in disease. Therefore, it has been classified as a Variant of Uncertain Significance. Algorithms developed to predict the effect of missense changes on protein structure and function do not agree on the potential impact of this missense change (SIFT: "Tolerated"; PolyPhen-2: "Probably Damaging"; Align-GVGD: "Class C0"). This variant has not been reported in the literature in individuals with NF1-related disease. This variant is not present in population databases (ExAC no frequency).

NM_001042492.3(NF1):c.6038G>A (p.Ser2013Asn)

Gene: NF1 (neurofibromin 1; plus strand). Cytogenetic location: 17q11.2.
Variant type: single nucleotide variant.
Coding change: c.6038G>A on transcript NM_001042492.3 (MANE Select); coding-DNA position 6038, G replaced by A.
Protein change: p.Ser2013Asn; replaces serine 2013 with asparagine.
Molecular consequence: missense variant.
Genome position (GRCh38, 1-based): chr17:31,336,364, G>A. VCF-style: chr17-31336364-G-A. GRCh37 (hg19) VCF-style: chr17-29663382-G-A.
Other names: c.5975G>A, p.Ser1992Asn (NM_000267.4); short protein forms S2013N, S1992N.
Identifiers: ClinVar variation 576732 (VCV000576732.8), dbSNP rs1567616663, ClinGen allele CA399011058.